The following is an entry in ClinVar:

ClinVar aggregate classification (germline): Uncertain significance (1 of 4 stars; one submission).

Allele frequency attached by ClinVar (database versions not stated): gnomAD exomes below 0.00001.
gnomAD v4.1: 5 of 1,603,428 alleles (0.00031%); highest among the groups gnomAD compares: East Asian, 0.0023%; no homozygotes.

Submission:

Labcorp Genetics (formerly Invitae), Labcorp
Classification: Uncertain significance. Last evaluated: 2021-05-08. Review status: criteria provided, single submitter. Criteria: Invitae Variant Classification Sherloc (09022015). Collection method: clinical testing. Allele origin: germline.
Comment: This sequence change falls in intron 6 of the ATP6V1B1 gene. It does not directly change the encoded amino acid sequence of the ATP6V1B1 protein. It affects a nucleotide within the consensus splice site of the intron. This variant is not present in population databases (ExAC no frequency). This variant has not been reported in the literature in individuals with ATP6V1B1-related conditions. Nucleotide substitutions within the consensus splice site are a relatively common cause of aberrant splicing (PMID: 17576681, 9536098). Algorithms developed to predict the effect of sequence changes on RNA splicing suggest that this variant is not likely to affect RNA splicing, but this prediction has not been confirmed by published transcriptional studies. In summary, the available evidence is currently insufficient to determine the role of this variant in disease. Therefore, it has been classified as a Variant of Uncertain Significance.

Literature cited by the submitters: PubMed 17576681; PubMed 9536098.

NM_001692.4(ATP6V1B1):c.586-3T>C

Gene: ATP6V1B1 (ATPase H+ transporting V1 subunit B1; plus strand). Cytogenetic location: 2p13.3.
Variant type: single nucleotide variant.
Coding change: c.586-3T>C on transcript NM_001692.4 (MANE Select); 3 bases into the intron before coding-DNA position 586, T replaced by C.
Molecular consequence: intron variant.
Genome position (GRCh38, 1-based): chr2:70,960,918, T>C. VCF-style: chr2-70960918-T-C. GRCh37 (hg19) VCF-style: chr2-71188048-T-C.
Identifiers: ClinVar variation 2154951 (VCV002154951.1), dbSNP rs1465488931, ClinGen allele CA892570735.